The following is an entry in ClinVar:

NM_001031689.3(PLAA):c.997A>C (p.Asn333His)

Gene: PLAA (phospholipase A2 activating protein; minus strand). Cytogenetic location: 9p21.2.
Variant type: single nucleotide variant.
Coding change: c.997A>C on transcript NM_001031689.3 (MANE Select); coding-DNA position 997, A replaced by C.
Protein change: p.Asn333His; replaces asparagine 333 with histidine.
Molecular consequence: missense variant.
Genome position (GRCh38, 1-based): chr9:26,923,220, T>G on the plus strand (A>C on the coding strand, the complement: PLAA is on the minus strand). VCF-style: chr9-26923220-T-G. GRCh37 (hg19) VCF-style: chr9-26923218-T-G.
Other names: c.997A>C, p.Asn333His (NM_001321546.2); short protein forms N333H.
Identifiers: ClinVar variation 2718838 (VCV002718838.3), dbSNP rs2131386870, ClinGen allele CA373132823.

ClinVar aggregate classification (germline): Uncertain significance (1 of 4 stars; one submission).

Submission:

Labcorp Genetics (formerly Invitae), Labcorp
Classification: Uncertain significance. Last evaluated: 2023-06-18. Review status: criteria provided, single submitter. Criteria: Invitae Variant Classification Sherloc (09022015). Collection method: clinical testing. Allele origin: germline.
Comment: This variant is not present in population databases (gnomAD no frequency). In summary, the available evidence is currently insufficient to determine the role of this variant in disease. Therefore, it has been classified as a Variant of Uncertain Significance. Advanced modeling of protein sequence and biophysical properties (such as structural, functional, and spatial information, amino acid conservation, physicochemical variation, residue mobility, and thermodynamic stability) performed at Invitae indicates that this missense variant is expected to disrupt PLAA protein function. This variant has not been reported in the literature in individuals affected with PLAA-related conditions. This sequence change replaces asparagine, which is neutral and polar, with histidine, which is basic and polar, at codon 333 of the PLAA protein (p.Asn333His).